The following is an entry in ClinVar:

ClinVar aggregate classification (germline): Uncertain significance (1 of 4 stars; one submission).

Allele frequency attached by ClinVar (database versions not stated): gnomAD exomes below 0.00001.

Submission:

Labcorp Genetics (formerly Invitae), Labcorp
Classification: Uncertain significance. Last evaluated: 2026-01-19. Review status: criteria provided, single submitter. Criteria: Invitae Variant Classification Sherloc (09022015). Collection method: clinical testing. Allele origin: germline.
Comment: This sequence change replaces valine, which is neutral and non-polar, with alanine, which is neutral and non-polar, at codon 1997 of the GPR179 protein (p.Val1997Ala). This variant is not present in population databases (gnomAD no frequency). This variant has not been reported in the literature in individuals affected with GPR179-related conditions. ClinVar contains an entry for this variant (Variation ID: 1716511). An algorithm developed to predict the effect of missense changes on protein structure and function (PolyPhen-2) suggests that this variant is likely to be tolerated. In summary, the available evidence is currently insufficient to determine the role of this variant in disease. Therefore, it has been classified as a Variant of Uncertain Significance.

NM_001004334.4(GPR179):c.5990T>C (p.Val1997Ala)

Gene: GPR179 (G protein-coupled receptor 179; minus strand). Cytogenetic location: 17q12.
Variant type: single nucleotide variant.
Coding change: c.5990T>C on transcript NM_001004334.4 (MANE Select); coding-DNA position 5990, T replaced by C.
Protein change: p.Val1997Ala; replaces valine 1997 with alanine.
Molecular consequence: missense variant.
Genome position (GRCh38, 1-based): chr17:38,327,579, A>G on the plus strand (T>C on the coding strand, the complement: GPR179 is on the minus strand). VCF-style: chr17-38327579-A-G. GRCh37 (hg19) VCF-style: chr17-36483462-A-G.
Other names: short protein forms V1997A.
Identifiers: ClinVar variation 1716511 (VCV001716511.5), dbSNP rs2512156608, ClinGen allele CA398870422.